The following is an entry in ClinVar:

NM_000071.3(CBS):c.154T>A (p.Cys52Ser)

Gene: CBS (cystathionine beta-synthase; minus strand). Cytogenetic location: 21q22.3.
Variant type: single nucleotide variant.
Coding change: c.154T>A on transcript NM_000071.3 (MANE Select); coding-DNA position 154, T replaced by A.
Protein change: p.Cys52Ser; replaces cysteine 52 with serine.
Molecular consequence: missense variant.
Genome position (GRCh38, 1-based): chr21:43,072,040, A>T on the plus strand (T>A on the coding strand, the complement: CBS is on the minus strand). VCF-style: chr21-43072040-A-T. GRCh37 (hg19) VCF-style: chr21-44492150-A-T.
Other names: c.154T>A, p.Cys52Ser (NM_001178008.3, NM_001178009.3, NM_001320298.2); short protein forms C52S.
Identifiers: ClinVar variation 1351083 (VCV001351083.8), dbSNP rs2146427772, ClinGen allele CA410602335.

ClinVar aggregate classification (germline): Likely pathogenic (1 of 4 stars; one submission).

Conditions:
HYPERHOMOCYSTEINEMIA, THROMBOTIC, CBS-RELATED. Identifiers: MedGen C3150344, OMIM 236200.

Submission:

Labcorp Genetics (formerly Invitae), Labcorp
Classification: Likely pathogenic for HYPERHOMOCYSTEINEMIA, THROMBOTIC, CBS-RELATED. Last evaluated: 2024-02-23. Review status: criteria provided, single submitter. Criteria: Invitae Variant Classification Sherloc (09022015). Collection method: clinical testing. Allele origin: germline.
Comment: This sequence change replaces cysteine, which is neutral and slightly polar, with serine, which is neutral and polar, at codon 52 of the CBS protein (p.Cys52Ser). This variant is not present in population databases (gnomAD no frequency). This variant has not been reported in the literature in individuals affected with CBS-related conditions. ClinVar contains an entry for this variant (Variation ID: 1351083). Advanced modeling of protein sequence and biophysical properties (such as structural, functional, and spatial information, amino acid conservation, physicochemical variation, residue mobility, and thermodynamic stability) performed at Invitae indicates that this missense variant is expected to disrupt CBS protein function with a positive predictive value of 95%. Experimental studies have shown that this missense change affects CBS function (PMID: 11926827). This variant disrupts the p.Cys52 amino acid residue in CBS. Other variant(s) that disrupt this residue have been determined to be pathogenic (PMID: 30246729). This suggests that this residue is clinically significant, and that variants that disrupt this residue are likely to be disease-causing. In summary, the currently available evidence indicates that the variant is pathogenic, but additional data are needed to prove that conclusively. Therefore, this variant has been classified as Likely Pathogenic.

Literature cited by the submitters: PubMed 11926827; PubMed 30246729.